The following is an entry in ClinVar:

NM_003620.4(PPM1D):c.538A>G (p.Ile180Val)

Genes: PPM1D (protein phosphatase, Mg2+/Mn2+ dependent 1D; plus strand), LOC129390907 (MPRA-validated peak2930 silencer; plus strand). Cytogenetic location: 17q23.2.
Variant type: single nucleotide variant.
Coding change: c.538A>G on transcript NM_003620.4 (MANE Select); coding-DNA position 538, A replaced by G.
Protein change: p.Ile180Val; replaces isoleucine 180 with valine.
Molecular consequence: missense variant.
Genome position (GRCh38, 1-based): chr17:60,623,586, A>G. VCF-style: chr17-60623586-A-G. GRCh37 (hg19) VCF-style: chr17-58700947-A-G.
Other names: short protein forms I180V.
Identifiers: ClinVar variation 3714552 (VCV003714552.2).

ClinVar aggregate classification (germline): Uncertain significance (1 of 4 stars; one submission).

Submission:

Labcorp Genetics (formerly Invitae), Labcorp
Classification: Uncertain significance. Last evaluated: 2024-04-13. Review status: criteria provided, single submitter. Criteria: Invitae Variant Classification Sherloc (09022015). Collection method: clinical testing. Allele origin: germline.
Comment: This sequence change replaces isoleucine, which is neutral and non-polar, with valine, which is neutral and non-polar, at codon 180 of the PPM1D protein (p.Ile180Val). This variant is not present in population databases (gnomAD no frequency). This variant has not been reported in the literature in individuals affected with PPM1D-related conditions. An algorithm developed to predict the effect of missense changes on protein structure and function (PolyPhen-2) suggests that this variant is likely to be disruptive. In summary, the available evidence is currently insufficient to determine the role of this variant in disease. Therefore, it has been classified as a Variant of Uncertain Significance.